The following is an entry in ClinVar:

NM_022455.5(NSD1):c.5155C>T (p.Leu1719Phe)

Gene: NSD1 (nuclear receptor binding SET domain protein 1; plus strand). Cytogenetic location: 5q35.3.
Variant type: single nucleotide variant.
Coding change: c.5155C>T on transcript NM_022455.5 (MANE Select); coding-DNA position 5155, C replaced by T.
Protein change: p.Leu1719Phe; replaces leucine 1719 with phenylalanine.
Molecular consequence: missense variant.
Genome position (GRCh38, 1-based): chr5:177,267,570, C>T. VCF-style: chr5-177267570-C-T. GRCh37 (hg19) VCF-style: chr5-176694571-C-T.
Other names: c.4282C>T, p.Leu1428Phe (NM_001365684.2, NM_001409308.1, NM_001409309.1 and 1 more transcripts); c.5155C>T, p.Leu1719Phe (NM_001409301.1, NM_001409302.1, NM_001409303.1); c.4735C>T, p.Leu1579Phe (NM_001409304.1); c.4402C>T, p.Leu1468Phe (NM_001409305.1); c.4393C>T, p.Leu1465Phe (NM_001409306.1, NM_001409307.1); short protein forms L1428F, L1465F, L1468F, L1579F, L1719F.
Identifiers: ClinVar variation 4528222 (VCV004528222.1).

ClinVar aggregate classification (germline): Uncertain significance (1 of 4 stars; one submission).

Submission:

GeneDx
Classification: Uncertain significance. Last evaluated: 2025-05-09. Review status: criteria provided, single submitter. Criteria: GeneDx Variant Classification Process June 2021. Collection method: clinical testing. Allele origin: germline. Affected: yes.
Comment: Not observed at significant frequency in large population cohorts (gnomAD); In silico analysis supports that this missense variant has a deleterious effect on protein structure/function; Has not been previously published as pathogenic or benign to our knowledge